The following is an entry in ClinVar:

ClinVar aggregate classification (germline): Pathogenic (1 of 4 stars; one submission).

Conditions:
Pyruvate carboxylase deficiency. Also called: ATAXIA WITH LACTIC ACIDOSIS II; LEIGH NECROTIZING ENCEPHALOPATHY DUE TO PYRUVATE CARBOXYLASE DEFICIENCY; LEIGH SYNDROME DUE TO PYRUVATE CARBOXYLASE DEFICIENCY; PC DEFICIENCY; Pyruvate Carboxylase Deficiency Disease. Identifiers: Orphanet 3008, MedGen C0034341, MONDO:0009949, OMIM 266150.

Submission:

Myriad Genetics, Inc.
Classification: Pathogenic for Pyruvate carboxylase deficiency. Last evaluated: 2024-01-24. Review status: criteria provided, single submitter. Criteria: Myriad Autosomal Dominant, Autosomal Recessive and X-Linked Classification Criteria (2023). Collection method: clinical testing. Allele origin: unknown.
Comment: NM_000920.3(PC):c.2464dupC(L822Pfs*12) is expected to be pathogenic in the context of pyruvate carboxylase deficiency. This variant is predicted to lead to an abnormal or absent protein product due to the creation of a premature termination codon in PC, a gene where loss-of-function variants are known to be pathogenic. Please note: this variant was assessed in the context of healthy population screening.

NM_001040716.2(PC):c.2464dup (p.Leu822fs)

Gene: PC (pyruvate carboxylase; minus strand). Cytogenetic location: 11q13.2.
Variant type: Duplication.
Coding change: c.2464dup on transcript NM_001040716.2 (MANE Select); coding-DNA position 2464, one base duplicated (C; older notation c.2464dupC).
Protein change: p.Leu822fs; shifts the reading frame from leucine 822.
Molecular consequence: frameshift variant.
Genome position (GRCh38, 1-based): chr11:66,850,683, G duplicated on the plus strand (C on the coding strand, the reverse complement: PC is on the minus strand); the first of 4 consecutive G bases (chr11:66,850,683-66,850,686); duplicating any one gives the same sequence. VCF-style (leftmost placement, unchanged base first): chr11-66850682-A-AG. GRCh37 (hg19) VCF-style: chr11-66618153-A-AG.
Other names: c.2464dup, p.Leu822fs (NM_000920.4, NM_001439352.1, NM_001439353.1 and 5 more transcripts); short protein forms L822fs.
Identifiers: ClinVar variation 5012679 (VCV005012679.1).